The following is an entry in ClinVar:

NM_006941.4(SOX10):c.274G>C (p.Val92Leu)

Genes: POLR2F (RNA polymerase II, I and III subunit F; plus strand), SOX10 (SRY-box transcription factor 10; minus strand). Cytogenetic location: 22q13.1.
Variant type: single nucleotide variant.
Coding change: c.274G>C on transcript NM_006941.4 (MANE Select); coding-DNA position 274, G replaced by C.
Protein change: p.Val92Leu; replaces valine 92 with leucine.
Molecular consequence: missense variant. On other transcripts: intron variant (3).
Genome position (GRCh38, 1-based): chr22:37,983,511, C>G on the plus strand (G>C on the coding strand, the complement: SOX10 is on the minus strand). VCF-style: chr22-37983511-C-G. GRCh37 (hg19) VCF-style: chr22-38379518-C-G.
Other names: c.*38+11201C>G (NM_001363825.1); c.294-2643C>G (NM_001301130.2); c.293+16341C>G (NM_001301131.2); short protein forms V92L.
Identifiers: ClinVar variation 702405 (VCV000702405.22), dbSNP rs142113652, ClinGen allele CA10228700.
Genomic context (GRCh38, chr22:37,983,511, plus strand): 5'-TGAAGGCGTTCATGGGCCGCTTGACGTGCGGCTTGCTTTTGCTGGCGCCGTTGACGCGCA[C>G]GGGCATGGGCACCAGCGTCCAGTCGTAGCCGCTGAGCACCTGGCTGACGGCCTCGCGGAT-3'
Protein context (NP_008872.1, residues 82-102): GYDWTLVPMP[Val92Leu]RVNGASKSKP

ClinVar aggregate classification (germline): Conflicting classifications of pathogenicity. Review status: criteria provided, conflicting classifications (1 of 4 stars). 10 submissions from 9 submitters: Uncertain significance (2); Benign (3); Likely benign (4). 1 of the submissions does not count toward it. Last evaluated 2025-06-02.

Conditions:
SOX10-related disorder. Also called: SOX10-related condition.
PCWH syndrome. Also called: WAARDENBURG-SHAH SYNDROME, NEUROLOGIC VARIANT. Identifiers: Orphanet 163746, MedGen C1836727, MONDO:0012198, OMIM 609136.
Waardenburg syndrome. Also called: Waardenburg's syndrome. Identifiers: Orphanet 3440, MedGen C3266898, MONDO:0018094.
Hearing impairment. Also called: Impaired Hearing. Identifiers: MedGen C1384666, MONDO:0005365, HP:0000365.

Allele frequency attached by ClinVar (database versions not stated): TOPMed 0.00008; gnomAD 0.00006; ESP Exome Variant Server 0.00023.
gnomAD v4.1: 254 of 1,610,164 alleles (0.016%); highest among the groups gnomAD compares: Non-Finnish European, 0.021%; no homozygotes.

Submissions (10):

Women's Health and Genetics/Laboratory Corporation of America, LabCorp
Classification: Uncertain significance. Last evaluated: 2025-06-02. Review status: criteria provided, single submitter. Criteria: LabCorp Variant Classification Summary - May 2015. Collection method: clinical testing. Allele origin: germline.
Comment: Variant summary: SOX10 c.274G>C (p.Val92Leu) results in a conservative amino acid change in the encoded protein sequence. Algorithms developed to predict the effect of missense changes on protein structure and function are either unavailable or do not agree on the potential impact of this missense change. The variant allele was found at a frequency of 0.00018 in 241638 control chromosomes, predominantly at a frequency of 0.0004 within the Non-Finnish European subpopulation in the gnomAD database. This frequency is not significantly higher than estimated for a pathogenic variant in SOX10 causing Waardenburg Syndrome Type 2E, allowing no conclusion about variant significance. To our knowledge, no occurrence of c.274G>C in individuals affected with Waardenburg Syndrome Type 2E and no experimental evidence demonstrating its impact on protein function have been reported. ClinVar contains an entry for this variant (Variation ID: 702405). Based on the evidence outlined above, the variant was classified as uncertain significance.

Laboratory of Genetics, Children's Clinical University Hospital Latvia
Classification: Likely benign. Last evaluated: 2025-02-16. Review status: criteria provided, single submitter. Criteria: ACMG Guidelines, 2015. Collection method: clinical testing. Allele origin: germline. Affected: yes.

Blueprint Genetics
Classification: Likely benign. Last evaluated: 2024-11-05. Review status: criteria provided, single submitter. Criteria: ACMG Guidelines, 2015. Collection method: clinical testing. Allele origin: germline.

Labcorp Genetics (formerly Invitae), Labcorp
Classification: Benign. Last evaluated: 2024-06-03. Review status: criteria provided, single submitter. Criteria: Invitae Variant Classification Sherloc (09022015). Collection method: clinical testing. Allele origin: germline.

Department of Otolaryngology – Head & Neck Surgery, Cochlear Implant Center
Classification: Uncertain significance for Hearing impairment. Last evaluated: 2021-04-12. Review status: criteria provided, single submitter. Criteria: ClinGen HL ACMG Specifications v1. Collection method: clinical testing. Allele origin: germline. Affected: yes.
Comment: PP3_Supporting, BS2_Strong

GeneDx
Classification: Benign. Last evaluated: 2019-07-08. Review status: criteria provided, single submitter. Criteria: GeneDx Variant Classification Process June 2021. Collection method: clinical testing. Allele origin: germline. Affected: yes.
Comment: In silico analysis, which includes protein predictors and evolutionary conservation, supports a deleterious effect; This variant is associated with the following publications: (PMID: 27240497, 20444197, 17999358)

Athena Diagnostics
Classification: Likely benign. Last evaluated: 2019-02-18. Review status: criteria provided, single submitter. Criteria: Athena Diagnostics Criteria. Collection method: clinical testing. Allele origin: germline.

Illumina Laboratory Services, Illumina
Classification: Likely benign for Waardenburg syndrome. Last evaluated: 2018-01-13. Review status: criteria provided, single submitter. Criteria: ICSL Variant Classification Criteria 13 December 2019. Collection method: clinical testing. Allele origin: germline.
Comment: This variant was observed in the ICSL laboratory as part of a predisposition screen in an ostensibly healthy population. It had not been previously curated by ICSL or reported in the Human Gene Mutation Database (HGMD: prior to June 1st, 2018), and was therefore a candidate for classification through an automated scoring system. Utilizing variant allele frequency, disease prevalence and penetrance estimates, and inheritance mode, an automated score was calculated to assess if this variant is too frequent to cause the disease. Based on the score and internal cut-off values, a variant classified as likely benign is not then subjected to further curation. The score for this variant resulted in a classification of likely benign for this disease.

Illumina Laboratory Services, Illumina
Classification: Benign for PCWH syndrome. Last evaluated: 2018-01-13. Review status: criteria provided, single submitter. Criteria: ICSL Variant Classification Criteria 13 December 2019. Collection method: clinical testing. Allele origin: germline.
Comment: This variant was observed in the ICSL laboratory as part of a predisposition screen in an ostensibly healthy population. It had not been previously curated by ICSL or reported in the Human Gene Mutation Database (HGMD: prior to June 1st, 2018), and was therefore a candidate for classification through an automated scoring system. Utilizing variant allele frequency, disease prevalence and penetrance estimates, and inheritance mode, an automated score was calculated to assess if this variant is too frequent to cause the disease. Based on the score and internal cut-off values, a variant classified as benign is not then subjected to further curation. The score for this variant resulted in a classification of benign for this disease.

PreventionGenetics, part of Exact Sciences
Classification: Likely benign for SOX10-related condition. Last evaluated: 2020-05-18. Review status: no assertion criteria provided. Collection method: clinical testing. Allele origin: germline. Not counted in ClinVar's aggregate classification.
Comment: This variant is classified as likely benign based on ACMG/AMP sequence variant interpretation guidelines (Richards et al. 2015 PMID: 25741868, with internal and published modifications).

Literature cited by the submitters: PubMed 17999358 (cited by Athena Diagnostics); PubMed 27240497 (cited by Athena Diagnostics); PubMed 20127975 (cited by Athena Diagnostics).